The following is an entry in ClinVar:

ClinVar aggregate classification (germline): Uncertain significance. Review status: criteria provided, single submitter (1 of 4 stars). 2 submissions from 2 submitters: Uncertain significance (1). 1 of the submissions does not count toward it. Last evaluated 2019-12-08.

Conditions:
Hereditary breast ovarian cancer syndrome. Also called: Hereditary breast and ovarian cancer syndrome (HBOC); Breast and ovarian cancer; BRCA1- and BRCA2-Associated Hereditary Breast and Ovarian Cancer; Hereditary breast and/or ovarian cancer syndrome; Hereditary breast and ovarian cancer; Hereditary breast and ovarian cancer syndrome. Identifiers: Orphanet 145, MedGen C0677776, MeSH D061325, MONDO:0003582. Disease mechanism: loss of function.
Malignant tumor of breast. Also called: Malignant breast neoplasm; Cancer breast. Identifiers: MedGen C0006142, MONDO:0007254. Disease mechanism: loss of function.

Submissions (2):

Labcorp Genetics (formerly Invitae), Labcorp
Classification: Uncertain significance for Hereditary breast ovarian cancer syndrome. Last evaluated: 2019-12-08. Review status: criteria provided, single submitter. Criteria: Invitae Variant Classification Sherloc (09022015). Collection method: clinical testing. Allele origin: germline.
Comment: This sequence change falls in intron 7 of the BRCA2 gene. It does not directly change the encoded amino acid sequence of the BRCA2 protein, but it affects a nucleotide within the consensus splice site of the intron. In summary, the available evidence is currently insufficient to determine the role of this variant in disease. Therefore, it has been classified as a Variant of Uncertain Significance. Nucleotide substitutions within the consensus splice site are a relatively common cause of aberrant splicing (PMID: 17576681, 9536098). Algorithms developed to predict the effect of sequence changes on RNA splicing suggest that this variant is not likely to affect RNA splicing, but this prediction has not been confirmed by published transcriptional studies. This variant has not been reported in the literature in individuals with BRCA2-related conditions. ClinVar contains an entry for this variant (Variation ID: 433754). This variant is not present in population databases (ExAC no frequency).

Department of Pathology and Laboratory Medicine, Sinai Health System
Classification: Uncertain significance for Malignant tumor of breast. Review status: no assertion criteria provided. Collection method: clinical testing. Allele origin: unknown. Affected: yes. Study: The Canadian Open Genetics Repository (COGR). Not counted in ClinVar's aggregate classification.
Comment: The c.631+6A>C variant was not identified in the literature nor was it identified in the dbSNP, NHLBI Exome Sequencing Project (Exome Variant Server), HGMD, LOVD, COSMIC, UMD, ClinVar, or BIC databases. The c.631+6A>C variant is located in the 5' splice region but does not affect the invariant +1 and +2 positions. However, positions +3 to +6 are part of the splicing consensus sequence and variants involving these positions sometimes affect splicing. However, in silico or computational prediction software programs (SpliceSiteFinder, MaxEntScan, NNSPLICE, GeneSplicer, HumanSpliceFinder) do not predict a difference in splicing. In summary, based on the above information, the clinical significance of this variant cannot be determined with certainty at this time. This variant is classified as a variant of unknown significance.

Literature cited by the submitters: PubMed 17576681 (cited by Labcorp Genetics (formerly Invitae), Labcorp); PubMed 9536098 (cited by Labcorp Genetics (formerly Invitae), Labcorp).

NM_000059.4(BRCA2):c.631+6A>C

Gene: BRCA2 (BRCA2 DNA repair associated; plus strand). Cytogenetic location: 13q13.1.
Variant type: single nucleotide variant.
Coding change: c.631+6A>C on transcript NM_000059.4 (MANE Select); 6 bases into the intron after coding-DNA position 631, A replaced by C.
Molecular consequence: intron variant.
Genome position (GRCh38, 1-based): chr13:32,326,619, A>C. VCF-style: chr13-32326619-A-C. GRCh37 (hg19) VCF-style: chr13-32900756-A-C.
Identifiers: ClinVar variation 433754 (VCV000433754.13), dbSNP rs1555281108, ClinGen allele CA645372981.
Genomic context (GRCh38, chr13:32,326,619, plus strand): 5'-TCTTGGTCAAGTTCTTTAGCTACACCACCCACCCTTAGTTCTACTGTGCTCATAGGTAAT[A>C]ATAGCAAATGTGTATTTACAAGAAAGAGCAGATGAGGTTGATAATTGTCATCTCTAATAC-3'